The following is an entry in ClinVar:

NM_000465.4(BARD1):c.1292T>C (p.Leu431Ser)

Gene: BARD1 (BRCA1 associated RING domain 1; minus strand). Cytogenetic location: 2q35.
Variant type: single nucleotide variant.
Coding change: c.1292T>C on transcript NM_000465.4 (MANE Select); coding-DNA position 1292, T replaced by C.
Protein change: p.Leu431Ser; replaces leucine 431 with serine.
Molecular consequence: missense variant. On other transcripts: non-coding transcript variant (2), intron variant (3).
Genome position (GRCh38, 1-based): chr2:214,780,582, A>G on the plus strand (T>C on the coding strand, the complement: BARD1 is on the minus strand). VCF-style: chr2-214780582-A-G. GRCh37 (hg19) VCF-style: chr2-215645306-A-G.
Other names: c.1235T>C, p.Leu412Ser (NM_001282543.2); c.159-28027T>C (NM_001282548.2); c.215+16479T>C (NM_001282545.2); c.364+11715T>C (NM_001282549.2); short protein forms L431S, L412S.
Identifiers: ClinVar variation 481391 (VCV000481391.20), dbSNP rs1553622095, ClinGen allele CA350453322.

ClinVar aggregate classification (germline): Uncertain significance. Review status: criteria provided, multiple submitters, no conflicts (2 of 4 stars). 3 submissions from 3 submitters: Uncertain significance (3). Last evaluated 2025-03-04.

Conditions:
Hereditary cancer-predisposing syndrome. Also called: Hereditary Cancer Syndrome; Neoplastic Syndromes, Hereditary; Tumor predisposition; Hereditary neoplastic syndrome. Identifiers: Orphanet 140162, MedGen C0027672, MeSH D009386, MONDO:0015356.
Familial cancer of breast. Also called: BREAST CANCER, FAMILIAL; Hereditary breast cancer; hereditary breast carcinoma. Identifiers: Orphanet 227535, MedGen C0346153, MONDO:0016419, OMIM 114480. Disease mechanism: loss of function.

gnomAD v4.1: 2 of 1,614,006 alleles (0.00012%); highest among the groups gnomAD compares: Non-Finnish European, 0.00017%; no homozygotes.

Submissions (3):

Labcorp Genetics (formerly Invitae), Labcorp
Classification: Uncertain significance for Familial cancer of breast. Last evaluated: 2025-03-04. Review status: criteria provided, single submitter. Criteria: Invitae Variant Classification Sherloc (09022015). Collection method: clinical testing. Allele origin: germline.
Comment: This sequence change replaces leucine, which is neutral and non-polar, with serine, which is neutral and polar, at codon 431 of the BARD1 protein (p.Leu431Ser). This variant is not present in population databases (gnomAD no frequency). This variant has not been reported in the literature in individuals affected with BARD1-related conditions. ClinVar contains an entry for this variant (Variation ID: 481391). An algorithm developed to predict the effect of missense changes on protein structure and function (PolyPhen-2) suggests that this variant is likely to be disruptive. In summary, the available evidence is currently insufficient to determine the role of this variant in disease. Therefore, it has been classified as a Variant of Uncertain Significance.

Color Diagnostics, LLC DBA Color Health
Classification: Uncertain significance for Hereditary cancer-predisposing syndrome. Last evaluated: 2024-03-06. Review status: criteria provided, single submitter. Criteria: ACMG Guidelines, 2015. Collection method: clinical testing. Allele origin: germline.
Comment: This missense variant replaces leucine with serine at codon 431 of the BARD1 protein. Computational prediction suggests that this variant may not impact protein structure and function (internally defined REVEL score threshold <= 0.5, PMID: 27666373). Splice site prediction tools suggest that this variant may not impact RNA splicing. To our knowledge, functional studies have not been performed for this variant. This variant has not been reported in individuals affected with hereditary cancer in the literature. This variant has not been identified in the general population by the Genome Aggregation Database (gnomAD). The available evidence is insufficient to determine the role of this variant in disease conclusively. Therefore, this variant is classified as a Variant of Uncertain Significance.

Ambry Genetics
Classification: Uncertain significance for Hereditary cancer-predisposing syndrome. Last evaluated: 2024-02-12. Review status: criteria provided, single submitter. Criteria: Ambry Variant Classification Scheme 2023. Collection method: clinical testing. Allele origin: germline.
Comment: The p.L431S variant (also known as c.1292T>C), located in coding exon 4 of the BARD1 gene, results from a T to C substitution at nucleotide position 1292. The leucine at codon 431 is replaced by serine, an amino acid with dissimilar properties. This variant was not reported in population based cohorts in the following databases: Database of Single Nucleotide Polymorphisms (dbSNP), NHLBI Exome Sequencing Project (ESP), and 1000 Genomes Project. In the ESP, this variant was not observed in 6503 samples (13006 alleles) with coverage at this position. To date, this alteration has been detected with an allele frequency of approximately 0.001% (greater than 175000 alleles tested) in our clinical cohort. This amino acid position is highly conserved in available vertebrate species. In addition, the in silico prediction for this alteration is inconclusive. Since supporting evidence is limited at this time, the clinical significance of this alteration remains unclear.